The following is an entry in ClinVar:

ClinVar aggregate classification (germline): Uncertain significance (1 of 4 stars; one submission).

Conditions:
Pheochromocytoma. Also called: MAX-Related Hereditary Paraganglioma-Pheochromocytoma Syndrome. Identifiers: Orphanet 29072, MedGen C0031511, MONDO:0008233, OMIM 171300, HP:0002666.
Gastrointestinal stromal tumor. Also called: Gastrointestinal stromal tumor, somatic; Gastrointestinal stroma tumor. Identifiers: Orphanet 44890, MedGen C0238198, MeSH D046152, MONDO:0011719, OMIM 606764, HP:0100723.
Pheochromocytoma/paraganglioma syndrome 4. Also called: CAROTID BODY TUMORS AND MULTIPLE EXTRAADRENAL PHEOCHROMOCYTOMAS; PARAGANGLIOMA, FAMILIAL MALIGNANT; PARAGANGLIOMAS, HEREDITARY EXTRAADRENAL; PHEOCHROMOCYTOMA, FAMILIAL EXTRAADRENAL; Paragangliomas 4; SDHB-Related Hereditary Paraganglioma-Pheochromocytoma Syndrome (Paragangliomas 4). Identifiers: Orphanet 29072, MedGen C1861848, MONDO:0007273, OMIM 115310.

Submission:

Labcorp Genetics (formerly Invitae), Labcorp
Classification: Uncertain significance for Gastrointestinal stromal tumor; Pheochromocytoma/paraganglioma syndrome 4; Pheochromocytoma. Last evaluated: 2023-09-23. Review status: criteria provided, single submitter. Criteria: Invitae Variant Classification Sherloc (09022015). Collection method: clinical testing. Allele origin: germline.
Comment: In summary, the available evidence is currently insufficient to determine the role of this variant in disease. Therefore, it has been classified as a Variant of Uncertain Significance. Advanced modeling of protein sequence and biophysical properties (such as structural, functional, and spatial information, amino acid conservation, physicochemical variation, residue mobility, and thermodynamic stability) performed at Invitae indicates that this missense variant is expected to disrupt SDHB protein function. This variant has not been reported in the literature in individuals affected with SDHB-related conditions. This variant is not present in population databases (gnomAD no frequency). This sequence change replaces isoleucine, which is neutral and non-polar, with asparagine, which is neutral and polar, at codon 266 of the SDHB protein (p.Ile266Asn).

NM_003000.3(SDHB):c.797T>A (p.Ile266Asn)

Gene: SDHB (succinate dehydrogenase complex iron sulfur subunit B; minus strand). Cytogenetic location: 1p36.13.
Variant type: single nucleotide variant.
Coding change: c.797T>A on transcript NM_003000.3 (MANE Select); coding-DNA position 797, T replaced by A.
Protein change: p.Ile266Asn; replaces isoleucine 266 with asparagine.
Molecular consequence: missense variant.
Genome position (GRCh38, 1-based): chr1:17,018,927, A>T on the plus strand (T>A on the coding strand, the complement: SDHB is on the minus strand). VCF-style: chr1-17018927-A-T. GRCh37 (hg19) VCF-style: chr1-17345422-A-T.
Other names: c.743T>A, p.Ile248Asn (NM_001407361.1); short protein forms I248N, I266N.
Identifiers: ClinVar variation 2952214 (VCV002952214.3), dbSNP rs2524995012, ClinGen allele CA338268926.